The following is an entry in ClinVar:

NM_000053.4(ATP7B):c.3061-549_3081del

Gene: ATP7B (ATPase copper transporting beta; minus strand). Cytogenetic location: 13q14.3.
Variant type: Deletion.
Coding change: c.3061-549_3081del on transcript NM_000053.4 (MANE Select); 549 bases into the intron before coding-DNA position 3061 through coding-DNA position 3081, 570 bases deleted.
Molecular consequence: splice acceptor variant.
Genome position (GRCh38, 1-based): chr13:51,944,271-51,944,840, 570 bases deleted. GRCh37 (hg19): chr13:52,518,410-52,518,979.
Other names: c.2728-549_2748del (NM_001243182.2); c.2440-549_2460del (NM_001005918.3); c.2809-549_2829del (NM_001330579.2); c.2827-549_2847del (NM_001330578.2).
Identifiers: ClinVar variation 861953 (VCV000861953.1), dbSNP rs1957518966, ClinGen allele CA916083356.

ClinVar aggregate classification (germline): Pathogenic (1 of 4 stars; one submission).

Conditions:
Wilson disease (WND). Also called: Wilson's disease. Identifiers: Orphanet 905, MedGen C0019202, MONDO:0010200, OMIM 277900. Disease mechanism: loss of function.

Submission:

Labcorp Genetics (formerly Invitae), Labcorp
Classification: Pathogenic for Wilson disease. Last evaluated: 2019-02-08. Review status: criteria provided, single submitter. Criteria: Invitae Variant Classification Sherloc (09022015). Collection method: clinical testing. Allele origin: germline.
Comment: This variant is a deletion of the genomic region encompassing part of exon 14 (c.3061-549_3081del) of the ATP7B gene. It is expected to disrupt RNA splicing and likely results in an absent or disrupted protein product. This variant has not been reported in the literature in individuals with ATP7B-related conditions. This variant disrupts the p.Asp1027His amino acid residue in ATP7B. Other variant(s) that disrupt this residue have been observed in individuals with ATP7B-related conditions (PMID: 29321352,, Invitae), suggesting that it is a clinically significant residue. As a result, variants that disrupt this residue are likely to be causative of disease. Loss-of-function variants in ATP7B are known to be pathogenic (PMID: 10441329, 16283883). For these reasons, this variant has been classified as Pathogenic.

Literature cited by the submitters: PubMed 29321352.